The following is an entry in ClinVar:

ClinVar aggregate classification (germline): Uncertain significance. Review status: criteria provided, multiple submitters, no conflicts (2 of 4 stars). 2 submissions from 2 submitters: Uncertain significance (2). Last evaluated 2024-11-07.

Conditions:
Kleefstra syndrome 1 (KLEFS1). Identifiers: Orphanet 261494, MedGen C0795833, MONDO:0027407, OMIM 610253.

Allele frequency attached by ClinVar (database versions not stated): gnomAD exomes below 0.00001.
gnomAD v4.1: 2 of 1,567,456 alleles (0.00013%); highest among the groups gnomAD compares: South Asian, 0.0012%; no homozygotes.

Submissions (2):

Labcorp Genetics (formerly Invitae), Labcorp
Classification: Uncertain significance for Kleefstra syndrome 1. Last evaluated: 2024-11-07. Review status: criteria provided, single submitter. Criteria: Invitae Variant Classification Sherloc (09022015). Collection method: clinical testing. Allele origin: germline.
Comment: This sequence change replaces methionine, which is neutral and non-polar, with valine, which is neutral and non-polar, at codon 32 of the EHMT1 protein (p.Met32Val). This variant is not present in population databases (gnomAD no frequency). This variant has not been reported in the literature in individuals affected with EHMT1-related conditions. ClinVar contains an entry for this variant (Variation ID: 1360999). An algorithm developed to predict the effect of missense changes on protein structure and function (PolyPhen-2) suggests that this variant is likely to be disruptive. In summary, the available evidence is currently insufficient to determine the role of this variant in disease. Therefore, it has been classified as a Variant of Uncertain Significance.

GeneDx
Classification: Uncertain significance. Last evaluated: 2023-02-05. Review status: criteria provided, single submitter. Criteria: GeneDx Variant Classification Process June 2021. Collection method: clinical testing. Allele origin: germline. Affected: yes.
Comment: Not observed at significant frequency in large population cohorts (gnomAD); In silico analysis supports that this missense variant does not alter protein structure/function; Has not been previously published as pathogenic or benign to our knowledge

NM_024757.5(EHMT1):c.94A>G (p.Met32Val)

Gene: EHMT1 (euchromatic histone lysine methyltransferase 1; plus strand). Cytogenetic location: 9q34.3.
Variant type: single nucleotide variant.
Coding change: c.94A>G on transcript NM_024757.5 (MANE Select); coding-DNA position 94, A replaced by G.
Protein change: p.Met32Val; replaces methionine 32 with valine.
Molecular consequence: missense variant. On other transcripts: initiator codon variant (2).
Genome position (GRCh38, 1-based): chr9:137,716,634, A>G. VCF-style: chr9-137716634-A-G. GRCh37 (hg19) VCF-style: chr9-140611086-A-G.
Other names: c.94A>G (NM_024757.4); c.94A>G, p.Met32Val (NM_001145527.2, NM_001354263.2, NM_001354611.2); c.1A>G, p.Met1Val (NM_001354259.2, NM_001354612.2); short protein forms M1V, M32V.
Identifiers: ClinVar variation 1360999 (VCV001360999.10), dbSNP rs762798813, ClinGen allele CA5374172.